The following is an entry in ClinVar:

ClinVar aggregate classification (germline): Likely benign. Review status: criteria provided, multiple submitters, no conflicts (2 of 4 stars). 3 submissions from 3 submitters: Likely benign (3). Last evaluated 2024-09-04.

Allele frequency attached by ClinVar (database versions not stated): TOPMed 0.00013; ESP Exome Variant Server 0.00015; gnomAD exomes 0.00020 and 0.00010; ExAC 0.00010; gnomAD 0.00010.

Submissions (3):

Labcorp Genetics (formerly Invitae), Labcorp
Classification: Likely benign. Last evaluated: 2024-09-04. Review status: criteria provided, single submitter. Criteria: Invitae Variant Classification Sherloc (09022015). Collection method: clinical testing. Allele origin: germline.

Blueprint Genetics
Classification: Likely benign. Last evaluated: 2024-04-16. Review status: criteria provided, single submitter. Criteria: ACMG Guidelines, 2015. Collection method: clinical testing. Allele origin: germline.

Laboratory for Molecular Medicine, Mass General Brigham Personalized Medicine
Classification: Likely benign. Last evaluated: 2014-11-24. Review status: criteria provided, single submitter. Criteria: LMM Criteria. Collection method: clinical testing. Allele origin: germline. Observed: 1 variant allele.
Comment: 1635+10G>A in intron 13 of KARS: This variant is not expected to have clinical s ignificance because it is not located within the conserved splice consensus sequ ence. It has been identified in 2/8600 European American chromosomes from a broa d population by the NHLBI Exome Sequencing Project (/EVS).

NM_005548.3(KARS1):c.1551+10G>A

Gene: KARS1 (lysyl-tRNA synthetase 1; minus strand). Cytogenetic location: 16q23.1.
Variant type: single nucleotide variant.
Coding change: c.1551+10G>A on transcript NM_005548.3 (MANE Select); 10 bases into the intron after coding-DNA position 1551, G replaced by A.
Molecular consequence: intron variant.
Genome position (GRCh38, 1-based): chr16:75,629,405, C>T on the plus strand (G>A on the coding strand, the complement: KARS1 is on the minus strand). VCF-style: chr16-75629405-C-T. GRCh37 (hg19) VCF-style: chr16-75663303-C-T.
Other names: c.1635+10G>A (NM_001130089.2); c.1083+10G>A (NM_001378148.1).
Identifiers: ClinVar variation 227453 (VCV000227453.8), dbSNP rs367722503, ClinGen allele CA8177204.